The following is an entry in ClinVar:

NM_001204.7(BMPR2):c.2583T>A (p.Asn861Lys)

Gene: BMPR2 (bone morphogenetic protein receptor type 2; plus strand). Cytogenetic location: 2q33.2.
Variant type: single nucleotide variant.
Coding change: c.2583T>A on transcript NM_001204.7 (MANE Select); coding-DNA position 2583, T replaced by A.
Protein change: p.Asn861Lys; replaces asparagine 861 with lysine.
Molecular consequence: missense variant.
Genome position (GRCh38, 1-based): chr2:202,556,248, T>A. VCF-style: chr2-202556248-T-A. GRCh37 (hg19) VCF-style: chr2-203420971-T-A.
Other names: short protein forms N861K.
Identifiers: ClinVar variation 4214400 (VCV004214400.1).

ClinVar aggregate classification (germline): Uncertain significance (1 of 4 stars; one submission).

Conditions:
Inborn genetic diseases. Identifiers: MedGen C0950123, MeSH D030342.

Submission:

Ambry Genetics
Classification: Uncertain significance for Inborn genetic diseases. Last evaluated: 2025-06-19. Review status: criteria provided, single submitter. Criteria: Ambry Variant Classification Scheme 2023. Collection method: clinical testing. Allele origin: germline.
Comment: The p.N861K variant (also known as c.2583T>A), located in coding exon 12 of the BMPR2 gene, results from a T to A substitution at nucleotide position 2583. The asparagine at codon 861 is replaced by lysine, an amino acid with similar properties. This amino acid position is conserved. In addition, this alteration is predicted to be tolerated by in silico analysis. Based on the available evidence, the clinical significance of this variant remains unclear.